The following is an entry in ClinVar:

NM_001356.5(DDX3X):c.159C>T (p.Tyr53=)

Gene: DDX3X (DEAD-box helicase 3 X-linked; plus strand). Cytogenetic location: Xp11.4.
Variant type: single nucleotide variant.
Coding change: c.159C>T on transcript NM_001356.5 (MANE Select); coding-DNA position 159, C replaced by T.
Protein change: p.Tyr53=; no amino-acid change (tyrosine 53 retained).
Molecular consequence: synonymous variant. On other transcripts: 5 prime UTR variant (1), non-coding transcript variant (1).
Genome position (GRCh38, 1-based): chrX:41,341,491, C>T. VCF-style: chrX-41341491-C-T. GRCh37 (hg19) VCF-style: chrX-41200744-C-T.
Other names: c.159C>T, p.Tyr53= (NM_001193416.3); c.111C>T, p.Tyr37= (NM_001193417.3); c.-400C>T (NM_001363819.1); c.159C>T (NM_001193416.2).
Identifiers: ClinVar variation 1223218 (VCV001223218.13), dbSNP rs370574418, ClinGen allele CA10389374.

ClinVar aggregate classification (germline): Benign/Likely benign. Review status: criteria provided, multiple submitters, no conflicts (2 of 4 stars). 3 submissions from 3 submitters: Benign (1); Likely benign (1). 1 of the submissions does not count toward it. Last evaluated 2025-08-13.

Conditions:
DDX3X-related disorder. Also called: DDX3X-related condition.

Allele frequency attached by ClinVar (database versions not stated): ESP Exome Variant Server 0.00010; TOPMed 0.00002; gnomAD exomes 0.00011 and 0.00006; gnomAD 0.00004; ExAC 0.00006.
gnomAD v4.1: 114 of 1,194,856 alleles (0.0095%); highest among the groups gnomAD compares: South Asian, 0.016%; no homozygotes.

Submissions (3):

Labcorp Genetics (formerly Invitae), Labcorp
Classification: Benign. Last evaluated: 2025-08-13. Review status: criteria provided, single submitter. Criteria: Invitae Variant Classification Sherloc (09022015). Collection method: clinical testing. Allele origin: germline.

GeneDx
Classification: Likely benign. Last evaluated: 2020-07-09. Review status: criteria provided, single submitter. Criteria: GeneDx Variant Classification Process June 2021. Collection method: clinical testing. Allele origin: germline. Affected: yes.

PreventionGenetics, part of Exact Sciences
Classification: Likely benign for DDX3X-related condition. Last evaluated: 2019-03-20. Review status: no assertion criteria provided. Collection method: clinical testing. Allele origin: germline. Not counted in ClinVar's aggregate classification.
Comment: This variant is classified as likely benign based on ACMG/AMP sequence variant interpretation guidelines (Richards et al. 2015 PMID: 25741868, with internal and published modifications).